The following is an entry in ClinVar:

NM_004285.4(H6PD):c.1309C>T (p.Arg437Cys)

Gene: H6PD (hexose-6-phosphate dehydrogenase/glucose 1-dehydrogenase; plus strand). Cytogenetic location: 1p36.22.
Variant type: single nucleotide variant.
Coding change: c.1309C>T on transcript NM_004285.4 (MANE Select); coding-DNA position 1309, C replaced by T.
Protein change: p.Arg437Cys; replaces arginine 437 with cysteine.
Molecular consequence: missense variant.
Genome position (GRCh38, 1-based): chr1:9,263,802, C>T. VCF-style: chr1-9263802-C-T. GRCh37 (hg19) VCF-style: chr1-9323861-C-T.
Other names: c.1342C>T, p.Arg448Cys (NM_001282587.2); c.1309C>T (NM_004285.3); short protein forms R448C, R437C.
Identifiers: ClinVar variation 1985143 (VCV001985143.5), dbSNP rs1329379803, ClinGen allele CA338192779.

ClinVar aggregate classification (germline): Uncertain significance. Review status: criteria provided, multiple submitters, no conflicts (2 of 4 stars). 2 submissions from 2 submitters: Uncertain significance (2). Last evaluated 2025-11-20.

Conditions:
Inborn genetic diseases. Identifiers: MedGen C0950123, MeSH D030342.

Allele frequency attached by ClinVar (database versions not stated): gnomAD 0.00001; gnomAD exomes 0.00001; TOPMed 0.00002.
gnomAD v4.1: 16 of 1,613,872 alleles (0.00099%); highest among the groups gnomAD compares: African/African-American, 0.0027%; no homozygotes.

Submissions (2):

Ambry Genetics
Classification: Uncertain significance for Inborn genetic diseases. Last evaluated: 2025-11-20. Review status: criteria provided, single submitter. Criteria: Ambry Variant Classification Scheme 2023. Collection method: clinical testing. Allele origin: germline.

Labcorp Genetics (formerly Invitae), Labcorp
Classification: Uncertain significance. Last evaluated: 2022-08-03. Review status: criteria provided, single submitter. Criteria: Invitae Variant Classification Sherloc (09022015). Collection method: clinical testing. Allele origin: germline.
Comment: In summary, the available evidence is currently insufficient to determine the role of this variant in disease. Therefore, it has been classified as a Variant of Uncertain Significance. This variant has not been reported in the literature in individuals affected with H6PD-related conditions. Algorithms developed to predict the effect of missense changes on protein structure and function are either unavailable or do not agree on the potential impact of this missense change (SIFT: "Deleterious"; PolyPhen-2: "Benign"; Align-GVGD: "Class C15"). This sequence change replaces arginine, which is basic and polar, with cysteine, which is neutral and slightly polar, at codon 437 of the H6PD protein (p.Arg437Cys). This variant is present in population databases (no rsID available, gnomAD 0.006%).